The following is an entry in ClinVar:

NM_182914.3(SYNE2):c.15307-3T>C

Gene: SYNE2 (spectrin repeat containing nuclear envelope protein 2; plus strand). Cytogenetic location: 14q23.2.
Variant type: single nucleotide variant.
Coding change: c.15307-3T>C on transcript NM_182914.3 (MANE Select); 3 bases into the intron before coding-DNA position 15307, T replaced by C.
Molecular consequence: intron variant.
Genome position (GRCh38, 1-based): chr14:64,143,769, T>C. VCF-style: chr14-64143769-T-C. GRCh37 (hg19) VCF-style: chr14-64610487-T-C.
Other names: c.15307-3T>C (NM_015180.6).
Identifiers: ClinVar variation 1444008 (VCV001444008.6), dbSNP rs781158552, ClinGen allele CA7223056.

ClinVar aggregate classification (germline): Uncertain significance (1 of 4 stars; one submission).

Conditions:
Emery-Dreifuss muscular dystrophy 5, autosomal dominant (EDMD5). Also called: EMERY-DREIFUSS MUSCULAR DYSTROPHY 5. Identifiers: Orphanet 261, MedGen C2751805, MONDO:0013072, OMIM 612999.

Allele frequency attached by ClinVar (database versions not stated): TOPMed 0.00001; gnomAD exomes 0.00002 and 0.00005; ExAC 0.00004.

Submission:

Labcorp Genetics (formerly Invitae), Labcorp
Classification: Uncertain significance for Emery-Dreifuss muscular dystrophy 5, autosomal dominant. Last evaluated: 2026-01-24. Review status: criteria provided, single submitter. Criteria: Invitae Variant Classification Sherloc (09022015). Collection method: clinical testing. Allele origin: germline.
Comment: This sequence change falls in intron 82 of the SYNE2 gene. It does not directly change the encoded amino acid sequence of the SYNE2 protein. It affects a nucleotide within the consensus splice site. This variant is present in population databases (rs781158552, gnomAD 0.04%), and has an allele count higher than expected for a pathogenic variant. This variant has not been reported in the literature in individuals affected with SYNE2-related conditions. ClinVar contains an entry for this variant (Variation ID: 1444008). Variants that disrupt the consensus splice site are a relatively common cause of aberrant splicing (PMID: 17576681, 9536098). Algorithms developed to predict the effect of sequence changes on RNA splicing suggest that this variant is not likely to affect RNA splicing. In summary, the available evidence is currently insufficient to determine the role of this variant in disease. Therefore, it has been classified as a Variant of Uncertain Significance.

Literature cited by the submitters: PubMed 17576681; PubMed 9536098.